The following is an entry in ClinVar:

NM_000219.6(KCNE1):c.336T>A (p.His112Gln)

Gene: KCNE1 (potassium voltage-gated channel subfamily E regulatory subunit 1; minus strand). Cytogenetic location: 21q22.12.
Variant type: single nucleotide variant.
Coding change: c.336T>A on transcript NM_000219.6 (MANE Select); coding-DNA position 336, T replaced by A.
Protein change: p.His112Gln; replaces histidine 112 with glutamine.
Molecular consequence: missense variant.
Genome position (GRCh38, 1-based): chr21:34,449,299, A>T on the plus strand (T>A on the coding strand, the complement: KCNE1 is on the minus strand). VCF-style: chr21-34449299-A-T. GRCh37 (hg19) VCF-style: chr21-35821597-A-T.
Other names: c.336T>A, p.His112Gln (NM_001127668.4, NM_001127669.4, NM_001127670.4 and 4 more transcripts); short protein forms H112Q.
Identifiers: ClinVar variation 3374675 (VCV003374675.4).

ClinVar aggregate classification (germline): Uncertain significance (1 of 4 stars; one submission).

Conditions:
Long QT syndrome (LQTS). Identifiers: MedGen C0023976, MeSH D008133, MONDO:0002442. Disease mechanism: loss of function. Inheritance: Various modes of inheritance.

Submissions (2):

Labcorp Genetics (formerly Invitae), Labcorp
Classification: Uncertain significance for Long QT syndrome. Last evaluated: 2025-06-16. Review status: criteria provided, single submitter. Criteria: Invitae Variant Classification Sherloc (09022015). Collection method: clinical testing. Allele origin: germline.
Comment: This sequence change replaces histidine, which is basic and polar, with glutamine, which is neutral and polar, at codon 112 of the KCNE1 protein (p.His112Gln). This variant is not present in population databases (gnomAD no frequency). This missense change has been observed in individual(s) with KCNE1-related conditions (internal data). ClinVar contains an entry for this variant (Variation ID: 3374675). Invitae Evidence Modeling of protein sequence and biophysical properties (such as structural, functional, and spatial information, amino acid conservation, physicochemical variation, residue mobility, and thermodynamic stability) indicates that this missense variant is not expected to disrupt KCNE1 protein function with a negative predictive value of 95%. In summary, the available evidence is currently insufficient to determine the role of this variant in disease. Therefore, it has been classified as a Variant of Uncertain Significance.

Roden Lab, Vanderbilt University Medical Center
No classification provided (evidence only). Condition: Long QT syndrome 5. Review status: no classification provided. Collection method: in vitro. Allele origin: not applicable. Functional consequence: Effect on ion channel function. Not counted in ClinVar's aggregate classification.
ClinVar note: "not provided" was previously submitted as the classification for the variant. However, the classification appeared to be based only on an observation of functional data so it was converted to no classification on 2025-07-30.